The following is an entry in ClinVar:

NM_000260.4(MYO7A):c.1238A>G (p.Lys413Arg)

Gene: MYO7A (myosin VIIA; plus strand). Cytogenetic location: 11q13.5.
Variant type: single nucleotide variant.
Coding change: c.1238A>G on transcript NM_000260.4 (MANE Select); coding-DNA position 1238, A replaced by G.
Protein change: p.Lys413Arg; replaces lysine 413 with arginine.
Molecular consequence: missense variant.
Genome position (GRCh38, 1-based): chr11:77,161,010, A>G. VCF-style: chr11-77161010-A-G. GRCh37 (hg19) VCF-style: chr11-76872056-A-G.
Other names: c.1238A>G, p.Lys413Arg (NM_001127180.2); c.1205A>G, p.Lys402Arg (NM_001369365.1); short protein forms K402R, K413R.
Identifiers: ClinVar variation 2162781 (VCV002162781.4), dbSNP rs1185932120, ClinGen allele CA381934923.

ClinVar aggregate classification (germline): Uncertain significance. Review status: criteria provided, multiple submitters, no conflicts (2 of 4 stars). 2 submissions from 2 submitters: Uncertain significance (2). Last evaluated 2025-12-03.

Allele frequency attached by ClinVar (database versions not stated): gnomAD exomes below 0.00001; TOPMed below 0.00001; gnomAD 0.00001.
gnomAD v4.1: 3 of 1,612,534 alleles (0.00019%); highest among the groups gnomAD compares: Admixed American, 0.0017%; no homozygotes.

Submissions (2):

Labcorp Genetics (formerly Invitae), Labcorp
Classification: Uncertain significance. Last evaluated: 2025-12-03. Review status: criteria provided, single submitter. Criteria: Invitae Variant Classification Sherloc (09022015). Collection method: clinical testing. Allele origin: germline.
Comment: This sequence change replaces lysine, which is basic and polar, with arginine, which is basic and polar, at codon 413 of the MYO7A protein (p.Lys413Arg). This variant is present in population databases (no rsID available, gnomAD 0.003%). This variant has not been reported in the literature in individuals affected with MYO7A-related conditions. ClinVar contains an entry for this variant (Variation ID: 2162781). Invitae Evidence Modeling of protein sequence and biophysical properties (such as structural, functional, and spatial information, amino acid conservation, physicochemical variation, residue mobility, and thermodynamic stability) indicates that this missense variant is not expected to disrupt MYO7A protein function with a negative predictive value of 95%. In summary, the available evidence is currently insufficient to determine the role of this variant in disease. Therefore, it has been classified as a Variant of Uncertain Significance.

Blueprint Genetics
Classification: Uncertain significance. Last evaluated: 2022-02-03. Review status: criteria provided, single submitter. Criteria: ACMG Guidelines, 2015. Collection method: clinical testing. Allele origin: germline.